The following is an entry in ClinVar:

NM_024747.6(HPS6):c.17C>T (p.Thr6Ile)

Genes: HPS6 (HPS6 biogenesis of lysosomal organelles complex 2 subunit 3; plus strand), LOC130004578 (ATAC-STARR-seq lymphoblastoid silent region 2738; plus strand). Cytogenetic location: 10q24.32.
Variant type: single nucleotide variant.
Coding change: c.17C>T on transcript NM_024747.6 (MANE Select); coding-DNA position 17, C replaced by T.
Protein change: p.Thr6Ile; replaces threonine 6 with isoleucine.
Molecular consequence: missense variant.
Genome position (GRCh38, 1-based): chr10:102,065,491, C>T. VCF-style: chr10-102065491-C-T. GRCh37 (hg19) VCF-style: chr10-103825248-C-T.
Other names: c.17C>T (NM_024747.5); short protein forms T6I.
Identifiers: ClinVar variation 1353976 (VCV001353976.6), dbSNP rs753410327, ClinGen allele CA5659718.

ClinVar aggregate classification (germline): Uncertain significance. Review status: criteria provided, multiple submitters, no conflicts (2 of 4 stars). 2 submissions from 2 submitters: Uncertain significance (2). Last evaluated 2024-07-05.

Conditions:
Inborn genetic diseases. Identifiers: MedGen C0950123, MeSH D030342.

Allele frequency attached by ClinVar (database versions not stated): TOPMed below 0.00001; ExAC 0.00003; gnomAD exomes 0.00004.
gnomAD v4.1: 7 of 1,561,410 alleles (0.00045%); highest among the groups gnomAD compares: Admixed American, 0.012%; no homozygotes.

Submissions (2):

Ambry Genetics
Classification: Uncertain significance for Inborn genetic diseases. Last evaluated: 2024-07-05. Review status: criteria provided, single submitter. Criteria: Ambry Variant Classification Scheme 2023. Collection method: clinical testing. Allele origin: germline.

Labcorp Genetics (formerly Invitae), Labcorp
Classification: Uncertain significance. Last evaluated: 2022-08-01. Review status: criteria provided, single submitter. Criteria: Invitae Variant Classification Sherloc (09022015). Collection method: clinical testing. Allele origin: germline.
Comment: This sequence change replaces threonine, which is neutral and polar, with isoleucine, which is neutral and non-polar, at codon 6 of the HPS6 protein (p.Thr6Ile). This variant is present in population databases (rs753410327, gnomAD 0.02%). This variant has not been reported in the literature in individuals affected with HPS6-related conditions. ClinVar contains an entry for this variant (Variation ID: 1353976). Algorithms developed to predict the effect of missense changes on protein structure and function are either unavailable or do not agree on the potential impact of this missense change (SIFT: "Tolerated"; PolyPhen-2: "Possibly Damaging"; Align-GVGD: "Class C0"). In summary, the available evidence is currently insufficient to determine the role of this variant in disease. Therefore, it has been classified as a Variant of Uncertain Significance.